The following is an entry in ClinVar:

NM_001276700.2(NLRP6):c.311-42G>C

Gene: NLRP6 (NLR family pyrin domain containing 6; plus strand). Cytogenetic location: 11p15.5.
Variant type: single nucleotide variant.
Coding change: c.311-42G>C on transcript NM_001276700.2 (MANE Select); 42 bases into the intron before coding-DNA position 311, G replaced by C.
Molecular consequence: intron variant.
Genome position (GRCh38, 1-based): chr11:279,792, G>C. VCF-style: chr11-279792-G-C. GRCh37 (hg19) VCF-style: chr11-279792-G-C.
Other names: c.311-42G>C (NM_138329.2).
Identifiers: ClinVar variation 103253 (VCV000103253.2), dbSNP rs199475797, ClinGen allele CA230319.

ClinVar aggregate classification (germline): not provided (0 of 4 stars; one submission).

Allele frequency attached by ClinVar (database versions not stated): gnomAD exomes below 0.00001; TOPMed below 0.00001; gnomAD 0.00001.
gnomAD v4.1: 3 of 1,574,356 alleles (0.00019%); highest among the groups gnomAD compares: East Asian, 0.0024%; no homozygotes.

Submission:

Human Evolutionary Genetics, Institut Pasteur
No classification provided. Review status: no classification provided. Collection method: not provided. Allele origin: germline.
ClinVar note: Converted during submission from untested to not provided.